The following is an entry in ClinVar:

ClinVar aggregate classification (germline): Likely benign (1 of 4 stars; one submission).

Allele frequency attached by ClinVar (database versions not stated): 1000 Genomes Project 30x 0.00016; ESP Exome Variant Server 0.00033; TOPMed 0.00033; gnomAD 0.00040; ExAC 0.00068.
gnomAD v4.1: 641 of 1,611,866 alleles (0.04%); highest among the groups gnomAD compares: East Asian, 0.38%; 2 homozygotes.

Submission:

CeGaT Center for Human Genetics Tuebingen
Classification: Likely benign. Last evaluated: 2023-03-01. Review status: criteria provided, single submitter. Criteria: CeGaT Center For Human Genetics Tuebingen Variant Classification Criteria Version 2. Collection method: clinical testing. Allele origin: germline. Affected: yes. Observed: 1 variant allele.
Comment: ARHGEF37: BP4, BP7

NM_001001669.3(ARHGEF37):c.918C>T (p.His306=)

Gene: ARHGEF37 (Rho guanine nucleotide exchange factor 37; plus strand). Cytogenetic location: 5q32.
Variant type: single nucleotide variant.
Coding change: c.918C>T on transcript NM_001001669.3 (MANE Select); coding-DNA position 918, C replaced by T.
Protein change: p.His306=; no amino-acid change (histidine 306 retained).
Molecular consequence: synonymous variant.
Genome position (GRCh38, 1-based): chr5:149,620,377, C>T. VCF-style: chr5-149620377-C-T. GRCh37 (hg19) VCF-style: chr5-148999940-C-T.
Identifiers: ClinVar variation 2655898 (VCV002655898.24), dbSNP rs368910887, ClinGen allele CA3502888.
Genomic context (GRCh38, chr5:149,620,377, plus strand): 5'-GGCATGATTGGATGTTTCTCCTTGGTACTGGGTCCAGGCTTTCCTCTACTTCAGGCCGCA[C>T]GAATACAATCTGGACATCCCCGAGGGGCCTGCAGTGCAGTATTGCAATTTGGCAAGAGAC-3'
Protein context (NP_001001669.2, residues 296-316): NLQAFLYFRP[His306=]EYNLDIPEGP